The following is an entry in ClinVar:

NM_152703.5(SAMD9L):c.1995A>C (p.Thr665=)

Gene: SAMD9L (sterile alpha motif domain containing 9 like; minus strand). Cytogenetic location: 7q21.2.
Variant type: single nucleotide variant.
Coding change: c.1995A>C on transcript NM_152703.5 (MANE Select); coding-DNA position 1995, A replaced by C.
Protein change: p.Thr665=; no amino-acid change (threonine 665 retained).
Molecular consequence: synonymous variant.
Genome position (GRCh38, 1-based): chr7:93,133,977, T>G on the plus strand (A>C on the coding strand, the complement: SAMD9L is on the minus strand). VCF-style: chr7-93133977-T-G. GRCh37 (hg19) VCF-style: chr7-92763290-T-G.
Other names: c.1995A>C (NM_152703.2); c.1995A>C, p.Thr665= (NM_001303496.3, NM_001303497.3, NM_001303498.3 and 5 more transcripts).
Identifiers: ClinVar variation 783762 (VCV000783762.40), dbSNP rs142212031, ClinGen allele CA4343649.
Genomic context (GRCh38, chr7:93,133,977, plus strand): 5'-TTCTTCTTTTGATTTCTTAAACTCCAGGAATTTAGATTTGTCTTTCTCGATGTCTGTCTC[T>G]GTACACTCATTTTCACAGAGGATTTCCAGTGCAGTCAAGACATCCTCTTTCTTTTTCTCT-3'
Protein context (NP_689916.2, residues 655-675): ALEILCENEC[Thr665=]ETDIEKDKSK

ClinVar aggregate classification (germline): Benign/Likely benign. Review status: criteria provided, multiple submitters, no conflicts (2 of 4 stars). 5 submissions from 5 submitters: Benign (3); Likely benign (2). Last evaluated 2026-02-02.

Conditions:
Inborn genetic diseases. Identifiers: MedGen C0950123, MeSH D030342.

Allele frequency attached by ClinVar (database versions not stated): gnomAD exomes 0.00006 and 0.00012; ExAC 0.00016; gnomAD 0.00051 and 0.00053; TOPMed 0.00052; 1000 Genomes Project 30x 0.00062; ESP Exome Variant Server 0.00062; 1000 Genomes Project 0.00080.

Submissions (5):

Labcorp Genetics (formerly Invitae), Labcorp
Classification: Benign. Last evaluated: 2026-02-02. Review status: criteria provided, single submitter. Criteria: Invitae Variant Classification Sherloc (09022015). Collection method: clinical testing. Allele origin: germline.

Ambry Genetics
Classification: Likely benign for Inborn genetic diseases. Last evaluated: 2024-11-25. Review status: criteria provided, single submitter. Criteria: Ambry Variant Classification Scheme 2023. Collection method: clinical testing. Allele origin: germline.

Blueprint Genetics
Classification: Likely benign. Last evaluated: 2024-11-01. Review status: criteria provided, single submitter. Criteria: ACMG Guidelines, 2015. Collection method: clinical testing. Allele origin: germline.

CeGaT Center for Human Genetics Tuebingen
Classification: Benign. Last evaluated: 2022-07-01. Review status: criteria provided, single submitter. Criteria: CeGaT Center For Human Genetics Tuebingen Variant Classification Criteria Version 2. Collection method: clinical testing. Allele origin: germline. Affected: yes. Observed: 1 variant allele.
Comment: SAMD9L: BS1, BS2

Genetic Services Laboratory, University of Chicago
Classification: Benign. Last evaluated: 2019-09-05. Review status: criteria provided, single submitter. Criteria: ACMG Guidelines, 2015. Collection method: clinical testing. Allele origin: germline. Affected: no.